The following is an entry in ClinVar:

ClinVar aggregate classification (germline): Uncertain significance (1 of 4 stars; one submission).

Submission:

GeneDx
Classification: Uncertain significance. Last evaluated: 2025-04-16. Review status: criteria provided, single submitter. Criteria: GeneDx Variant Classification Process June 2021. Collection method: clinical testing. Allele origin: germline. Affected: yes.
Comment: Not observed at significant frequency in large population cohorts (gnomAD); In silico analysis supports that this missense variant has a deleterious effect on protein structure/function; Has not been previously published as pathogenic or benign to our knowledge

NM_138927.4(SON):c.6115A>G (p.Arg2039Gly)

Gene: SON (SON DNA and RNA binding protein; plus strand). Cytogenetic location: 21q22.11.
Variant type: single nucleotide variant.
Coding change: c.6115A>G on transcript NM_138927.4 (MANE Select); coding-DNA position 6115, A replaced by G.
Protein change: p.Arg2039Gly; replaces arginine 2039 with glycine.
Molecular consequence: missense variant. On other transcripts: non-coding transcript variant (1), intron variant (1).
Genome position (GRCh38, 1-based): chr21:33,555,346, A>G. VCF-style: chr21-33555346-A-G. GRCh37 (hg19) VCF-style: chr21-34927652-A-G.
Other names: c.6115A>G, p.Arg2039Gly (NM_001291411.2, NM_032195.3); c.245-1810A>G (NM_001291412.3); short protein forms R2039G.
Identifiers: ClinVar variation 4281847 (VCV004281847.1).
Genomic context (GRCh38, chr21:33,555,346, plus strand): 5'-CGATCAAGAACACCCTTAAGAAGAAGGTTTAGCAGATCTCCCATCCGTCGTAAAAGATCC[A>G]GGTCTTCTGAACGAGGCAGATCACCCAAACGTCTGACAGATTTGGGTGAGTCATTTTAAA-3'
Protein context (NP_620305.3, residues 2029-2049): SRSPIRRKRS[Arg2039Gly]SSERGRSPKR